The following is an entry in ClinVar:

NM_000182.5(HADHA):c.453G>A (p.Glu151=)

Gene: HADHA (hydroxyacyl-CoA dehydrogenase trifunctional multienzyme complex subunit alpha; minus strand). Cytogenetic location: 2p23.3.
Variant type: single nucleotide variant.
Coding change: c.453G>A on transcript NM_000182.5 (MANE Select); coding-DNA position 453, G replaced by A.
Protein change: p.Glu151=; no amino-acid change (glutamic acid 151 retained).
Molecular consequence: synonymous variant.
Genome position (GRCh38, 1-based): chr2:26,234,217, C>T on the plus strand (G>A on the coding strand, the complement: HADHA is on the minus strand). VCF-style: chr2-26234217-C-T. GRCh37 (hg19) VCF-style: chr2-26457085-C-T.
Identifiers: ClinVar variation 3064942 (VCV003064942.2), dbSNP rs2465600141, ClinGen allele CA425201423.

ClinVar aggregate classification (germline): Uncertain significance. Review status: criteria provided, multiple submitters, no conflicts (2 of 4 stars). 2 submissions from 2 submitters: Uncertain significance (2). Last evaluated 2026-03-13.

Conditions:
Mitochondrial trifunctional protein deficiency 1 (MTPD1). Identifiers: MedGen CN376812, MONDO:0958181, OMIM 609015.

Allele frequency attached by ClinVar (database versions not stated): gnomAD exomes below 0.00001.
gnomAD v4.1: 1 of 1,613,618 alleles (0.000062%); highest among the groups gnomAD compares: Non-Finnish European, 0.000085%; no homozygotes.

Submissions (2):

Women's Health and Genetics/Laboratory Corporation of America, LabCorp
Classification: Uncertain significance. Last evaluated: 2026-03-13. Review status: criteria provided, single submitter. Criteria: LabCorp Variant Classification Summary - May 2015. Collection method: clinical testing. Allele origin: germline.
Comment: Variant summary: HADHA c.453G>A (p.Glu151Glu) alters a conserved nucleotide located close to a canonical splice site and therefore could affect mRNA splicing, leading to a significantly altered protein sequence. Several computational tools predict a significant impact on normal splicing: Three predict the variant abolishes a 5' splicing donor site. Two predict the variant no significant impact on splicing. However, these predictions have yet to be confirmed by functional studies. The variant was absent in 251466 control chromosomes. The available data on variant occurrences in the general population are insufficient to allow any conclusion about variant significance. To our knowledge, no occurrence of c.453G>A in individuals affected with HADHA-related conditions and no experimental evidence demonstrating its impact on protein function have been reported. ClinVar contains an entry for this variant (Variation ID: 3064942). Based on the evidence outlined above, the variant was classified as uncertain significance.

Genomic Medicine Center of Excellence, King Faisal Specialist Hospital and Research Centre
Classification: Uncertain significance for Mitochondrial trifunctional protein deficiency 1. Last evaluated: 2024-03-25. Review status: criteria provided, single submitter. Criteria: ACMG Guidelines, 2015. Collection method: clinical testing. Allele origin: germline.